The following is an entry in ClinVar:

NM_004006.3(DMD):c.9564-437T>A

Gene: DMD (dystrophin; minus strand). Cytogenetic location: Xp21.2.
Variant type: single nucleotide variant.
Coding change: c.9564-437T>A on transcript NM_004006.3 (MANE Select); 437 bases into the intron before coding-DNA position 9564, T replaced by A.
Molecular consequence: intron variant.
Genome position (GRCh38, 1-based): chrX:31,207,104, A>T on the plus strand (T>A on the coding strand, the complement: DMD is on the minus strand). VCF-style: chrX-31207104-A-T. GRCh37 (hg19) VCF-style: chrX-31225221-A-T.
Other names: c.9540-437T>A (NM_000109.4); c.5541-437T>A (NM_004011.4); c.5532-437T>A (NM_004012.4); c.2184-437T>A (NM_004023.3, NM_004020.4, NM_004022.3 and 2 more transcripts); c.1377-437T>A (NM_004014.3); c.360-437T>A (NM_004018.3, NM_004017.3, NM_004016.3 and 2 more transcripts); c.9552-437T>A (NM_004009.3); c.9195-437T>A (NM_004010.3).
Identifiers: ClinVar variation 3051416 (VCV003051416.3), dbSNP rs992913753, ClinGen allele CA328407953.

ClinVar aggregate classification (germline): Likely benign. Review status: criteria provided, single submitter (1 of 4 stars). 2 submissions from 2 submitters: Likely benign (1). 1 of the submissions does not count toward it. Last evaluated 2020-08-17.

Conditions:
DMD-related disorder. Also called: DMD-related condition.

Allele frequency attached by ClinVar (database versions not stated): gnomAD 0.00051; TOPMed 0.00057.
gnomAD v4.1: 56 of 111,891 alleles (0.05%); highest among the groups gnomAD compares: African/African-American, 0.17%; no homozygotes.

Submissions (2):

Blueprint Genetics
Classification: Likely benign. Last evaluated: 2020-08-17. Review status: criteria provided, single submitter. Criteria: ACMG Guidelines, 2015. Collection method: clinical testing. Allele origin: germline.

PreventionGenetics, part of Exact Sciences
Classification: Likely benign for DMD-related condition. Last evaluated: 2021-09-08. Review status: no assertion criteria provided. Collection method: clinical testing. Allele origin: germline. Not counted in ClinVar's aggregate classification.
Comment: This variant is classified as likely benign based on ACMG/AMP sequence variant interpretation guidelines (Richards et al. 2015 PMID: 25741868, with internal and published modifications).